The following is an entry in ClinVar:

NM_006005.3(WFS1):c.1675G>T (p.Ala559Ser)

Gene: WFS1 (wolframin ER transmembrane glycoprotein; plus strand). Cytogenetic location: 4p16.1.
Variant type: single nucleotide variant.
Coding change: c.1675G>T on transcript NM_006005.3 (MANE Select); coding-DNA position 1675, G replaced by T.
Protein change: p.Ala559Ser; replaces alanine 559 with serine.
Molecular consequence: missense variant.
Genome position (GRCh38, 1-based): chr4:6,301,470, G>T. VCF-style: chr4-6301470-G-T. GRCh37 (hg19) VCF-style: chr4-6303197-G-T.
Other names: c.1675G>T, p.Ala559Ser (NM_001145853.1); short protein forms A559S.
Identifiers: ClinVar variation 1439835 (VCV001439835.8), dbSNP rs55814513, ClinGen allele CA91796451.

ClinVar aggregate classification (germline): Uncertain significance (1 of 4 stars; one submission).

gnomAD v4.1: 3 of 1,612,654 alleles (0.00019%); highest among the groups gnomAD compares: African/African-American, 0.004%; no homozygotes.

Submission:

Labcorp Genetics (formerly Invitae), Labcorp
Classification: Uncertain significance. Last evaluated: 2024-01-14. Review status: criteria provided, single submitter. Criteria: Invitae Variant Classification Sherloc (09022015). Collection method: clinical testing. Allele origin: germline.
Comment: This sequence change replaces alanine, which is neutral and non-polar, with serine, which is neutral and polar, at codon 559 of the WFS1 protein (p.Ala559Ser). This variant is present in population databases (no rsID available, gnomAD 0.01%). This variant has not been reported in the literature in individuals affected with WFS1-related conditions. ClinVar contains an entry for this variant (Variation ID: 1439835). Advanced modeling of protein sequence and biophysical properties (such as structural, functional, and spatial information, amino acid conservation, physicochemical variation, residue mobility, and thermodynamic stability) performed at Invitae indicates that this missense variant is not expected to disrupt WFS1 protein function with a negative predictive value of 95%. In summary, the available evidence is currently insufficient to determine the role of this variant in disease. Therefore, it has been classified as a Variant of Uncertain Significance.